The following is an entry in ClinVar:

NM_001276345.2(TNNT2):c.388C>G (p.Leu130Val)

Gene: TNNT2 (troponin T2, cardiac type; minus strand). Cytogenetic location: 1q32.1.
Variant type: single nucleotide variant.
Coding change: c.388C>G on transcript NM_001276345.2 (MANE Select); coding-DNA position 388, C replaced by G.
Protein change: p.Leu130Val; replaces leucine 130 with valine.
Molecular consequence: missense variant. On other transcripts: intron variant (1).
Genome position (GRCh38, 1-based): chr1:201,365,214, G>C on the plus strand (C>G on the coding strand, the complement: TNNT2 is on the minus strand). VCF-style: chr1-201365214-G-C. GRCh37 (hg19) VCF-style: chr1-201334342-G-C.
Other names: p.Leu120Val; c.388C>G, p.Leu130Val (NM_000364.4, NM_001406723.1); c.358C>G, p.Leu120Val (NM_001001430.3, NM_001276347.2, NM_001406726.1 and 3 more transcripts); c.355C>G, p.Leu119Val (NM_001406725.1); c.343C>G, p.Leu115Val (NM_001001432.3, NM_001406728.1); c.291+396C>G (NM_001276346.2); short protein forms L130V, L115V, L119V, L120V.
Identifiers: ClinVar variation 1732977 (VCV001732977.11), dbSNP rs767617578, ClinGen allele CA088983.

ClinVar aggregate classification (germline): Uncertain significance. Review status: criteria provided, multiple submitters, no conflicts (2 of 4 stars). 7 submissions from 5 submitters: Uncertain significance (7). Last evaluated 2024-03-16.

Conditions:
Hypertrophic cardiomyopathy 2. Also called: TNNT2-Related Familial Hypertrophic Cardiomyopathy. Identifiers: MedGen C1861864, MONDO:0007266, OMIM 115195.
Cardiomyopathy, familial restrictive, 3. Identifiers: Orphanet 75249, MedGen C2676271, MONDO:0012900, OMIM 612422.
Dilated cardiomyopathy 1D. Identifiers: Orphanet 154, Orphanet 54260, MedGen C1832243, MONDO:0011095, OMIM 601494.
Cardiovascular phenotype. Identifiers: MedGen CN230736.
Cardiomyopathy (CMYO). Also called: Cardiomyopathies. Identifiers: Orphanet 167848, MedGen C0878544, MONDO:0004994, HP:0001638. Inheritance: Various modes of inheritance.

Allele frequency attached by ClinVar (database versions not stated): gnomAD exomes below 0.00001; TOPMed below 0.00001; ExAC 0.00001.
gnomAD v4.1: 2 of 1,614,088 alleles (0.00012%); highest among the groups gnomAD compares: Non-Finnish European, 0.00017%; no homozygotes.

Submissions (7):

Labcorp Genetics (formerly Invitae), Labcorp
Classification: Uncertain significance for Cardiomyopathy, familial restrictive, 3; Hypertrophic cardiomyopathy 2; Dilated cardiomyopathy 1D. Last evaluated: 2024-03-16. Review status: criteria provided, single submitter. Criteria: Invitae Variant Classification Sherloc (09022015). Collection method: clinical testing. Allele origin: germline.
Comment: This sequence change replaces leucine, which is neutral and non-polar, with valine, which is neutral and non-polar, at codon 120 of the TNNT2 protein (p.Leu120Val). This variant is present in population databases (rs767617578, gnomAD 0.007%). This variant has not been reported in the literature in individuals affected with TNNT2-related conditions. ClinVar contains an entry for this variant (Variation ID: 1732977). Advanced modeling of protein sequence and biophysical properties (such as structural, functional, and spatial information, amino acid conservation, physicochemical variation, residue mobility, and thermodynamic stability) performed at Invitae indicates that this missense variant is expected to disrupt TNNT2 protein function with a positive predictive value of 95%. In summary, the available evidence is currently insufficient to determine the role of this variant in disease. Therefore, it has been classified as a Variant of Uncertain Significance.

All of Us Research Program, National Institutes of Health
Classification: Uncertain significance for Cardiomyopathy. Last evaluated: 2024-03-05. Review status: criteria provided, single submitter. Criteria: ACMG Guidelines, 2015. Collection method: clinical testing. Allele origin: germline. Inheritance: Autosomal dominant inheritance. Observed: 2 variant alleles, 2 heterozygotes.
Comment: This missense variant replaces leucine with valine at codon 120 of the TNNT2 protein. Computational prediction suggests that this variant may have deleterious impact on protein structure and function (internally defined REVEL score threshold >= 0.7, PMID: 27666373). To our knowledge, functional studies have not been reported for this variant. This variant has not been reported in individuals affected with TNNT2-related disorders in the literature. This variant has been identified in 1/251496 chromosomes in the general population by the Genome Aggregation Database (gnomAD). The available evidence is insufficient to determine the role of this variant in disease conclusively. Therefore, this variant is classified as a Variant of Uncertain Significance.

This study involves interpretation of variants in research participants for the purpose of population health screening. Participant phenotype was not available at the time of variant classification. Additional details can be found in publication PMID: 35346344, PMCID: PMC8962531

Mayo Clinic Laboratories, Mayo Clinic
Classification: Uncertain significance. Last evaluated: 2024-01-26. Review status: criteria provided, single submitter. Criteria: ACMG Guidelines, 2015. Collection method: clinical testing. Allele origin: germline. Observed: 1 variant allele.
Comment: PM1_supporting, PM2

Genome-Nilou Lab
Classification: Uncertain significance for Dilated cardiomyopathy 1D. Last evaluated: 2023-04-11. Review status: criteria provided, single submitter. Criteria: ACMG Guidelines, 2015. Collection method: clinical testing. Allele origin: germline. Affected: no.

Genome-Nilou Lab
Classification: Uncertain significance for Cardiomyopathy, familial restrictive, 3. Last evaluated: 2023-04-11. Review status: criteria provided, single submitter. Criteria: ACMG Guidelines, 2015. Collection method: clinical testing. Allele origin: germline. Affected: no.

Genome-Nilou Lab
Classification: Uncertain significance for Hypertrophic cardiomyopathy 2. Last evaluated: 2023-04-11. Review status: criteria provided, single submitter. Criteria: ACMG Guidelines, 2015. Collection method: clinical testing. Allele origin: germline. Affected: no.

Ambry Genetics
Classification: Uncertain significance for Cardiovascular phenotype. Last evaluated: 2020-11-25. Review status: criteria provided, single submitter. Criteria: Ambry Variant Classification Scheme 2023. Collection method: clinical testing. Allele origin: germline.
Comment: The p.L120V variant (also known as c.358C>G), located in coding exon 8 of the TNNT2 gene, results from a C to G substitution at nucleotide position 358. The leucine at codon 120 is replaced by valine, an amino acid with highly similar properties. This amino acid position is highly conserved in available vertebrate species. In addition, the in silico prediction for this alteration is inconclusive. Since supporting evidence is limited at this time, the clinical significance of this alteration remains unclear.